The following is an entry in ClinVar:

ClinVar aggregate classification (germline): Likely pathogenic (1 of 4 stars; one submission).

Submission:

Dasa
Classification: Likely pathogenic. Last evaluated: 2025-04-23. Review status: criteria provided, single submitter. Criteria: DASA Assertion Criteria. Collection method: clinical testing. Allele origin: germline.
Comment: NM_000171.4(GLRA1):c.957del (p.Leu320Serfs*8) is a frameshift variant in GLRA1 predicted to alter the reading frame and introduce a premature termination codon and is predicted to result in an absent or altered protein product. Loss of function is an established disease mechanism for GLRA1-associated disorders. Also, this variant is absent from population databases. Based on the currently available evidence, this variant is classified as likely pathogenic.

NM_000171.4(GLRA1):c.957del (p.Leu320fs)

Gene: GLRA1 (glycine receptor alpha 1; minus strand). Cytogenetic location: 5q33.1.
Variant type: Deletion.
Coding change: c.957del on transcript NM_000171.4 (MANE Select); coding-DNA position 957, one base deleted (G; older notation c.957delG).
Protein change: p.Leu320fs; shifts the reading frame from leucine 320.
Molecular consequence: frameshift variant.
Genome position (GRCh38, 1-based): chr5:151,829,023, C deleted on the plus strand (G on the coding strand, the reverse complement: GLRA1 is on the minus strand). VCF-style (leftmost placement, unchanged base first): chr5-151829022-GC-G. GRCh37 (hg19) VCF-style: chr5-151208583-GC-G.
Other names: c.957del, p.Leu320fs (NM_001146040.2); c.708del, p.Leu237fs (NM_001292000.2); short protein forms L237fs, L320fs.
Identifiers: ClinVar variation 4884245 (VCV004884245.2).